The following is an entry in ClinVar:

ClinVar aggregate classification (germline): Pathogenic. Review status: criteria provided, multiple submitters, no conflicts (2 of 4 stars). 7 submissions from 7 submitters: Pathogenic (6). 1 of the submissions does not count toward it. Last evaluated 2025-01-13.
ClinVar aggregate classification (oncogenicity): Likely oncogenic (1 of 4 stars; one submission).

Conditions:
Inborn genetic diseases. Identifiers: MedGen C0950123, MeSH D030342.
Osteopathia striata with cranial sclerosis (OSCS). Also called: HYPEROSTOSIS GENERALISATA WITH STRIATIONS. Identifiers: Orphanet 2780, MedGen C0432268, MONDO:0010310, OMIM 300373.
AMER1-related disorder. Also called: AMER1-related condition.
Neoplasm. Also called: Neoplasms; Neoplasm (disease); tumor. Identifiers: MedGen C0027651, MeSH D009369, MONDO:0005070, HP:0002664.

Submissions (8):

Center for Genomic Medicine, Rigshospitalet, Copenhagen University Hospital
Classification: Likely oncogenic for Neoplasm. Last evaluated: 2025-03-04. Review status: criteria provided, single submitter. Criteria: ClinGen/CGC/VICC Guidelines for Oncogenicity, 2022. Collection method: clinical testing. Allele origin: somatic. Affected: yes.

Ambry Genetics
Classification: Pathogenic for Inborn genetic diseases. Last evaluated: 2025-01-13. Review status: criteria provided, single submitter. Criteria: Ambry Variant Classification Scheme 2023. Collection method: clinical testing. Allele origin: germline.
Comment: The c.1057C>T (p.R353*) alteration, located in exon 2 (coding exon 1) of the AMER1 gene, consists of a C to T substitution at nucleotide position 1057. This changes the amino acid from an arginine (R) to a stop codon at amino acid position 353. This variant is not expected to trigger nonsense-mediated mRNA decay and impacts the last 69% of the protein. Premature stop codons are typically deleterious in nature and a significant portion of the protein is affected (Ambry internal data). This variant was not reported in population-based cohorts in the Genome Aggregation Database (gnomAD). This variant was reported as heterozygous in individual(s) with features consistent with osteopathia striata with cranial sclerosis; in at least one individual, it was determined to be de novo (Jenkins, 2009; Zicari, 2012; Fradin, 2017; Bach, 2021). Based on the available evidence, this alteration is classified as pathogenic.

Blueprint Genetics
Classification: Pathogenic for AMER1-related disorders. Last evaluated: 2022-10-05. Review status: criteria provided, single submitter. Criteria: ACMG Guidelines, 2015. Collection method: clinical testing. Allele origin: de novo. Affected: yes. Observed: 2 variant alleles.

GeneDx
Classification: Pathogenic. Last evaluated: 2022-07-14. Review status: criteria provided, single submitter. Criteria: GeneDx Variant Classification Process June 2021. Collection method: clinical testing. Allele origin: germline. Affected: yes.
Comment: Nonsense variant in the C-terminus predicted to result in protein truncation, as the last 783 amino acids are lost, and other loss-of-function variants have been reported downstream in the Human Gene Mutation Database (HGMD); Not observed in large population cohorts (gnomAD); This variant is associated with the following publications: (PMID: 32879452, 22716240, 27369646, 33504798, 19079258)

Dasa
Classification: Pathogenic for Osteopathia striata with cranial sclerosis. Last evaluated: 2022-01-05. Review status: criteria provided, single submitter. Criteria: ACMG Guidelines, 2015. Collection method: clinical testing. Allele origin: germline. Affected: yes. Observed: 1 variant allele.
Comment: The c.1057C>T;p.(Arg353*) variant creates a premature translational stop signal in the AMER1 gene. It is expected to result in an absent or disrupted protein product -PVS1. This sequence change has been observed in affected individual(s) and ClinVar contains an entry for this variant(ClinVar ID: 10707; OMIM: 300647.0004; PMID: 19079258; 22716240; 27369646) - PS4. This variant is not present in population databases (rs137852216, gnomAD; ABraOM no frequency) - PM2. The variant was assumed de novo, but without confirmation of paternity and maternity (PMID: 19079258, 27369646) - PM6. The variant co-segregated with disease in multiple affected family members (PMID: 22716240) - PP1. In summary, the currently available evidence indicates that the variant is pathogenic.

Laboratory for Molecular Medicine, Mass General Brigham Personalized Medicine
Classification: Pathogenic for Osteopathia striata with cranial sclerosis. Last evaluated: 2018-04-21. Review status: criteria provided, single submitter. Criteria: LMM Criteria. Collection method: clinical testing. Allele origin: germline. Inheritance: X-linked inheritance. Observed: 1 variant allele.
Comment: The p.Arg353X variant in AMER1 has been reported in 4 individuals with osteopath ia striata-cranial sclerosis (OSCS), occurring de novo in 2 individuals and segr egating with disease in an affected family member in 2 families (Jenkins 2009, Z icari 2012, Fradin 2017). The variant was not reported in large population datab ases, but has been reported in the COSMIC database as a somatic variant that was detected in two colorectal adenocarcinoma samples (Mutation ID: COSM6495573). However, germline p.Arg353X variants in OSCS patients have not been associated with an increased risk of cancer (Jenkins 2009 , Zicari 2012, Fradin 2017). This nonsense variant leads to a premature terminat ion codon at position 353, and is predicted to result in a truncated protein (Je nkens 2009). Loss of function of AMER1 due to truncating germline variants is an established disease mechanism for OSCS. In summary, this variant meets criteria to be classified as pathogenic for OSCS in an X-linked dominant manner. ACMG/AM P Criteria applied: PM6_Strong; PM2; PM4; PS4_Moderate; PP4.

Women's and Children's Health, University of Otago
Classification: Pathogenic for Osteopathia striata with cranial sclerosis. Review status: criteria provided, single submitter. Criteria: ACMG Guidelines, 2015. Collection method: provider interpretation. Allele origin: de novo. Affected: yes. Observed: 1 heterozygote.

OMIM
Classification: Pathogenic for OSTEOPATHIA STRIATA WITH CRANIAL SCLEROSIS. Last evaluated: 2009-01-01. Review status: no assertion criteria provided. Collection method: literature only. Allele origin: unknown. Not counted in ClinVar's aggregate classification.

Literature cited by the submitters: PubMed 21498506 (cited by Center for Genomic Medicine, Rigshospitalet, Copenhagen University Hospital); PubMed 19079258 (cited by 4 submitters); PubMed 22716240 (cited by 3 submitters); PubMed 27369646 (cited by 3 submitters); PubMed 32879452 (cited by Ambry Genetics).

NM_152424.4(AMER1):c.1057C>T (p.Arg353Ter)

Gene: AMER1 (APC membrane recruitment protein 1; minus strand). Cytogenetic location: Xq11.2.
Variant type: single nucleotide variant.
Coding change: c.1057C>T on transcript NM_152424.4 (MANE Select); coding-DNA position 1057, C replaced by T.
Protein change: p.Arg353Ter; replaces arginine 353 with a stop codon.
Molecular consequence: nonsense.
Genome position (GRCh38, 1-based): chrX:64,192,230, G>A on the plus strand (C>T on the coding strand, the complement: AMER1 is on the minus strand). VCF-style: chrX-64192230-G-A. GRCh37 (hg19) VCF-style: chrX-63412110-G-A.
Other names: short protein forms R353*.
Identifiers: ClinVar variation 10707 (VCV000010707.16), dbSNP rs137852216, ClinGen allele CA121147.
Genomic context (GRCh38, chrX:64,192,230, plus strand): 5'-CCATCTCCTCCCCACCTCCTTGGTAGGTCACCAGGCAGGAACTTCGCTTGGTCCCATCTC[G>A]GTTTGCTCTCTGGCCCCCAGAGGCCATGCTGTCTGTCATACTGTCCATGTCCTGTTCTGC-3'